The following is an entry in ClinVar:

NM_007294.4(BRCA1):c.3616del (p.Ala1206fs)

Genes: BRCA1 (BRCA1 DNA repair associated; minus strand), LOC126862571 (BRD4-independent group 4 enhancer GRCh37_chr17:41243136-41244335; plus strand). Cytogenetic location: 17q21.31.
Variant type: Deletion.
Coding change: c.3616del on transcript NM_007294.4 (MANE Select); coding-DNA position 3616, one base deleted (G; older notation c.3616delG).
Protein change: p.Ala1206fs; shifts the reading frame from alanine 1206.
Molecular consequence: frameshift variant. On other transcripts: intron variant (135).
Genome position (GRCh38, 1-based): chr17:43,091,915, C deleted on the plus strand (G on the coding strand, the reverse complement: BRCA1 is on the minus strand); the first of 4 consecutive C bases (chr17:43,091,915-43,091,918); deleting any one gives the same sequence. VCF-style (leftmost placement, unchanged base first): chr17-43091914-GC-G. GRCh37 (hg19) VCF-style: chr17-41243931-GC-G.
Other names: c.3616delG (NM_007294.3); c.3403del, p.Ala1135fs (NM_001407571.1, NM_001407896.1, NM_001407897.1 and 9 more transcripts); c.3616del, p.Ala1206fs (NM_001407581.1, NM_001407582.1, NM_001407583.1 and 30 more transcripts); c.3613del, p.Ala1205fs (NM_001407587.1, NM_001407590.1, NM_001407591.1 and 22 more transcripts); c.3538del, p.Ala1180fs (NM_001407653.1, NM_001407654.1, NM_001407655.1 and 4 more transcripts); c.3535del, p.Ala1179fs (NM_001407659.1, NM_001407660.1, NM_001407661.1 and 1 more transcripts); c.3490del, p.Ala1164fs (NM_001407671.1, NM_001407672.1, NM_001407673.1 and 11 more transcripts); c.3493del, p.Ala1165fs (NM_001407674.1, NM_001407675.1, NM_001407676.1 and 19 more transcripts); and 42 more; short protein forms A1159fs, A1206fs, A1038fs, A1094fs, A1158fs, A1179fs, A1180fs, A1203fs.
Identifiers: ClinVar variation 254436 (VCV000254436.3), dbSNP rs886038019, ClinGen allele CA10586624.

ClinVar aggregate classification (germline): Pathogenic (3 of 4 stars; one submission).

Conditions:
Breast-ovarian cancer, familial, susceptibility to, 1 (BROVCA1). Also called: BRCA1 Hereditary Breast and Ovarian Cancer; OVARIAN CANCER, SUSCEPTIBILITY TO. Identifiers: Orphanet 145, MedGen C2676676, MONDO:0011450, OMIM 604370. Disease mechanism: loss of function.

Submission:

Evidence-based Network for the Interpretation of Germline Mutant Alleles (ENIGMA)
Classification: Pathogenic for Breast-ovarian cancer, familial, susceptibility to, 1. Last evaluated: 2016-09-08. Review status: reviewed by expert panel. Criteria: ENIGMA BRCA1/2 Classification Criteria (2015). Collection method: curation. Allele origin: germline.
Comment: Variant allele predicted to encode a truncated non-functional protein.